The following is an entry in ClinVar:

NM_001128.6(AP1G1):c.508G>T (p.Glu170Ter)

Gene: AP1G1 (adaptor related protein complex 1 subunit gamma 1; minus strand). Cytogenetic location: 16q22.2.
Variant type: single nucleotide variant.
Coding change: c.508G>T on transcript NM_001128.6 (MANE Select); coding-DNA position 508, G replaced by T.
Protein change: p.Glu170Ter; replaces glutamic acid 170 with a stop codon.
Molecular consequence: nonsense.
Genome position (GRCh38, 1-based): chr16:71,771,213, C>A on the plus strand (G>T on the coding strand, the complement: AP1G1 is on the minus strand). VCF-style: chr16-71771213-C-A. GRCh37 (hg19) VCF-style: chr16-71805116-C-A.
Other names: c.508G>T, p.Glu170Ter (NM_001030007.2); short protein forms E170*.
Identifiers: ClinVar variation 4874797 (VCV004874797.2).

ClinVar aggregate classification (germline): Likely pathogenic (1 of 4 stars; one submission).

Submission:

CeGaT Center for Human Genetics Tuebingen
Classification: Likely pathogenic. Last evaluated: 2026-05-01. Review status: criteria provided, single submitter. Criteria: CeGaT Center For Human Genetics Tuebingen Variant Classification Criteria Version 2. Collection method: clinical testing. Allele origin: germline. Affected: yes. Observed: 1 variant allele.
Comment: AP1G1: PVS1:Strong, PM2, PS2:Moderate